The following is an entry in ClinVar:

ClinVar aggregate classification (germline): Likely benign. Review status: criteria provided, multiple submitters, no conflicts (2 of 4 stars). 4 submissions from 4 submitters: Likely benign (3). 1 of the submissions does not count toward it. Last evaluated 2025-12-09.

Conditions:
CACNA1A-related disorder. Also called: CACNA1A-related condition.
Developmental and epileptic encephalopathy, 42 (DEE42A). Also called: DEVELOPMENTAL AND EPILEPTIC ENCEPHALOPATHY 42A; EPILEPTIC ENCEPHALOPATHY, EARLY INFANTILE, 42A; Epileptic encephalopathy, early infantile, 42. Identifiers: MedGen C4310716, MONDO:0014917, OMIM 617106.
Episodic ataxia type 2 (EA2). Also called: ATAXIA, EPISODIC, WITH NYSTAGMUS; ATAXIA, FAMILIAL PAROXYSMAL; CEREBELLAR ATAXIA, PAROXYSMAL, ACETAZOLAMIDE-RESPONSIVE; CEREBELLOPATHY, HEREDITARY PAROXYSMAL; EPISODIC ATAXIA, NYSTAGMUS-ASSOCIATED; ACETAZOLAMIDE-RESPONSIVE HEREDITARY PAROXYSMAL CEREBELLAR ATAXIA. Identifiers: Orphanet 97, MedGen C1720416, MONDO:0007163, OMIM 108500.
Inborn genetic diseases. Identifiers: MedGen C0950123, MeSH D030342.

Allele frequency attached by ClinVar (database versions not stated): ExAC below 0.00001; gnomAD 0.00009 and 0.00010; TOPMed 0.00015; gnomAD exomes 0.00017.
gnomAD v4.1: 198 of 1,280,368 alleles (0.015%); highest among the groups gnomAD compares: Non-Finnish European, 0.018%; no homozygotes.

Submissions (4):

Labcorp Genetics (formerly Invitae), Labcorp
Classification: Likely benign for Developmental and epileptic encephalopathy, 42; Episodic ataxia type 2. Last evaluated: 2025-12-09. Review status: criteria provided, single submitter. Criteria: Invitae Variant Classification Sherloc (09022015). Collection method: clinical testing. Allele origin: germline.

Ambry Genetics
Classification: Likely benign for Inborn genetic diseases. Last evaluated: 2025-07-22. Review status: criteria provided, single submitter. Criteria: Ambry Variant Classification Scheme 2023. Collection method: clinical testing. Allele origin: germline.

GeneDx
Classification: Likely benign. Last evaluated: 2020-11-20. Review status: criteria provided, single submitter. Criteria: GeneDx Variant Classification Process June 2021. Collection method: clinical testing. Allele origin: germline. Affected: yes.

PreventionGenetics, part of Exact Sciences
Classification: Uncertain significance for CACNA1A-related condition. Last evaluated: 2024-01-17. Review status: no assertion criteria provided. Collection method: clinical testing. Allele origin: germline. Not counted in ClinVar's aggregate classification.
Comment: The CACNA1A c.6782G>A variant is predicted to result in the amino acid substitution p.Gly2261Asp. To our knowledge, this variant has not been reported in the literature. This variant is reported in 0.0046% of alleles in individuals of European (Non-Finnish) descent in gnomAD. At this time, the clinical significance of this variant is uncertain due to the absence of conclusive functional and genetic evidence.

NM_001127222.2(CACNA1A):c.6782G>A (p.Gly2261Asp)

Gene: CACNA1A (calcium voltage-gated channel subunit alpha1 A; minus strand). Cytogenetic location: 19p13.13.
Variant type: single nucleotide variant.
Coding change: c.6782G>A on transcript NM_001127222.2 (MANE Select); coding-DNA position 6782, G replaced by A.
Protein change: p.Gly2261Asp; replaces glycine 2261 with aspartic acid.
Molecular consequence: missense variant. On other transcripts: intron variant (3).
Genome position (GRCh38, 1-based): chr19:13,208,052, C>T on the plus strand (G>A on the coding strand, the complement: CACNA1A is on the minus strand). VCF-style: chr19-13208052-C-T. GRCh37 (hg19) VCF-style: chr19-13318866-C-T.
Other names: c.6782G>A (NM_001127222.1); c.6800G>A, p.Gly2267Asp (NM_023035.3); c.6784-4G>A (NM_001127221.2); c.6790-4G>A (NM_001174080.2); c.6799-4G>A (NM_000068.4); short protein forms G2261D, G2267D.
Identifiers: ClinVar variation 746591 (VCV000746591.15), dbSNP rs751364653, ClinGen allele CA9239242.